The following is an entry in ClinVar:

NM_001397406.1(FDX2):c.6C>A (p.Ala2=)

Genes: FDX2-ZGLP1 (FDX2-ZGLP1 readthrough (NMD candidate); minus strand), FDX2 (ferredoxin 2; minus strand). Cytogenetic location: 19p13.2.
Variant type: single nucleotide variant.
Coding change: c.6C>A on transcript NM_001397406.1 (MANE Select); coding-DNA position 6, C replaced by A.
Protein change: p.Ala2=; no amino-acid change (alanine 2 retained).
Molecular consequence: synonymous variant. On other transcripts: non-coding transcript variant (2).
Genome position (GRCh38, 1-based): chr19:10,315,991, G>T on the plus strand (C>A on the coding strand, the complement: FDX2 is on the minus strand). VCF-style: chr19-10315991-G-T. GRCh37 (hg19) VCF-style: chr19-10426667-G-T.
Other names: p.Ala5=; c.15C>A (NM_001031734.4).
Identifiers: ClinVar variation 383285 (VCV000383285.17), dbSNP rs150936648, ClinGen allele CA9191384.

ClinVar aggregate classification (germline): Benign/Likely benign. Review status: criteria provided, multiple submitters, no conflicts (2 of 4 stars). 5 submissions from 5 submitters: Benign (3); Likely benign (1). 1 of the submissions does not count toward it. Last evaluated 2026-01-19.

Conditions:
FDX2-related disorder. Also called: FDX2-related condition.

Allele frequency attached by ClinVar (database versions not stated): ESP Exome Variant Server 0.00015; gnomAD 0.00108; TOPMed 0.00199; ExAC 0.00243; 1000 Genomes Project 30x 0.00328; 1000 Genomes Project 0.00419.
gnomAD v4.1: 1,347 of 1,603,544 alleles (0.084%); highest among the groups gnomAD compares: East Asian, 1.9%; 10 homozygotes.

Submissions (5):

Labcorp Genetics (formerly Invitae), Labcorp
Classification: Benign. Last evaluated: 2026-01-19. Review status: criteria provided, single submitter. Criteria: Invitae Variant Classification Sherloc (09022015). Collection method: clinical testing. Allele origin: germline.

Blueprint Genetics
Classification: Likely benign. Last evaluated: 2024-11-26. Review status: criteria provided, single submitter. Criteria: ACMG Guidelines, 2015. Collection method: clinical testing. Allele origin: germline.

Mayo Clinic Laboratories, Mayo Clinic
Classification: Benign. Last evaluated: 2024-03-25. Review status: criteria provided, single submitter. Criteria: ACMG Guidelines, 2015. Collection method: clinical testing. Allele origin: germline. Observed: 2 variant alleles.
Comment: BS1, BS2, BP4, BP7

GeneDx
Classification: Benign. Last evaluated: 2018-03-30. Review status: criteria provided, single submitter. Criteria: GeneDx Variant Classification Process June 2021. Collection method: clinical testing. Allele origin: germline. Affected: yes.

PreventionGenetics, part of Exact Sciences
Classification: Benign for FDX2-related condition. Last evaluated: 2022-11-28. Review status: no assertion criteria provided. Collection method: clinical testing. Allele origin: germline. Not counted in ClinVar's aggregate classification.
Comment: This variant is classified as benign based on ACMG/AMP sequence variant interpretation guidelines (Richards et al. 2015 PMID: 25741868, with internal and published modifications).